The following is an entry in ClinVar:

ClinVar aggregate classification (germline): Benign/Likely benign. Review status: criteria provided, multiple submitters, no conflicts (2 of 4 stars). 2 submissions from 2 submitters: Benign (1); Likely benign (1). Last evaluated 2025-07-25.

Conditions:
Familial cancer of breast. Also called: Hereditary breast cancer; hereditary breast carcinoma; BREAST CANCER, FAMILIAL. Identifiers: Orphanet 227535, MedGen C0346153, MONDO:0016419, OMIM 114480. Disease mechanism: loss of function.

gnomAD v4.1: 1 of 1,614,090 alleles (0.000062%); highest among the groups gnomAD compares: African/African-American, 0.0013%; no homozygotes.

Submissions (2):

Labcorp Genetics (formerly Invitae), Labcorp
Classification: Likely benign for Familial cancer of breast. Last evaluated: 2025-07-25. Review status: criteria provided, single submitter. Criteria: Invitae Variant Classification Sherloc (09022015). Collection method: clinical testing. Allele origin: germline.

Myriad Genetics, Inc.
Classification: Benign for Familial cancer of breast. Last evaluated: 2025-01-14. Review status: criteria provided, single submitter. Criteria: Myriad Autosomal Dominant, Autosomal Recessive and X-Linked Classification Criteria (2023). Collection method: clinical testing. Allele origin: unknown.
Comment: This variant is considered benign. This variant is a silent/synonymous amino acid change and it is not expected to impact splicing.

NM_024675.4(PALB2):c.1818T>C (p.Phe606=)

Gene: PALB2 (partner and localizer of BRCA2; minus strand). Cytogenetic location: 16p12.2.
Variant type: single nucleotide variant.
Coding change: c.1818T>C on transcript NM_024675.4 (MANE Select); coding-DNA position 1818, T replaced by C.
Protein change: p.Phe606=; no amino-acid change (phenylalanine 606 retained).
Molecular consequence: synonymous variant. On other transcripts: intron variant (1).
Genome position (GRCh38, 1-based): chr16:23,630,336, A>G on the plus strand (T>C on the coding strand, the complement: PALB2 is on the minus strand). VCF-style: chr16-23630336-A-G. GRCh37 (hg19) VCF-style: chr16-23641657-A-G.
Other names: c.30T>C, p.Phe10= (NM_001407313.1, NM_001407312.1); c.49-1061T>C (NM_001407314.1); c.1758T>C, p.Phe586= (NM_001407296.1); c.1818T>C, p.Phe606= (NM_001407297.1, NM_001407298.1, NM_001407299.1 and 3 more transcripts); c.933T>C, p.Phe311= (NM_001407304.1, NM_001407305.1, NM_001407306.1 and 5 more transcripts).
Identifiers: ClinVar variation 3903607 (VCV003903607.2).